The following is an entry in ClinVar:

ClinVar aggregate classification (germline): Likely benign (0 of 4 stars; one submission).

Conditions:
NFKB2-related disorder. Also called: NFKB2-related condition.

Allele frequency attached by ClinVar (database versions not stated): ExAC 0.00002; TOPMed 0.00003.
gnomAD v4.1: 34 of 1,612,732 alleles (0.0021%); highest among the groups gnomAD compares: Admixed American, 0.013%; no homozygotes.

Submission:

PreventionGenetics, part of Exact Sciences
Classification: Likely benign for NFKB2-related condition. Last evaluated: 2023-09-21. Review status: no assertion criteria provided. Collection method: clinical testing. Allele origin: germline.
Comment: This variant is classified as likely benign based on ACMG/AMP sequence variant interpretation guidelines (Richards et al. 2015 PMID: 25741868, with internal and published modifications).

NM_001322934.2(NFKB2):c.-10G>T

Gene: NFKB2 (nuclear factor kappa B subunit 2; plus strand). Cytogenetic location: 10q24.32.
Variant type: single nucleotide variant.
Coding change: c.-10G>T on transcript NM_001322934.2 (MANE Select); 10 bases upstream of the start codon, G replaced by T.
Molecular consequence: 5 prime UTR variant.
Genome position (GRCh38, 1-based): chr10:102,395,950, G>T. VCF-style: chr10-102395950-G-T. GRCh37 (hg19) VCF-style: chr10-104155707-G-T.
Other names: c.-10G>T (NM_001077493.1, NM_001077494.3, NM_001261403.3 and 3 more transcripts).
Identifiers: ClinVar variation 3054225 (VCV003054225.2), dbSNP rs748741723, ClinGen allele CA5664397.